The following is an entry in ClinVar:

ClinVar aggregate classification (germline): Uncertain significance (1 of 4 stars; one submission).

Submission:

GeneDx
Classification: Uncertain significance. Last evaluated: 2025-08-14. Review status: criteria provided, single submitter. Criteria: GeneDx Variant Classification Process June 2021. Collection method: clinical testing. Allele origin: germline. Affected: yes.
Comment: Not observed at significant frequency in large population cohorts (gnomAD); In silico analysis supports that this missense variant has a deleterious effect on protein structure/function; Has not been previously published as pathogenic or benign to our knowledge

NM_001303052.2(MYT1L):c.589T>G (p.Tyr197Asp)

Gene: MYT1L (myelin transcription factor 1 like; minus strand). Cytogenetic location: 2p25.3.
Variant type: single nucleotide variant.
Coding change: c.589T>G on transcript NM_001303052.2 (MANE Select); coding-DNA position 589, T replaced by G.
Protein change: p.Tyr197Asp; replaces tyrosine 197 with aspartic acid.
Molecular consequence: missense variant.
Genome position (GRCh38, 1-based): chr2:1,923,180, A>C on the plus strand (T>G on the coding strand, the complement: MYT1L is on the minus strand). VCF-style: chr2-1923180-A-C. GRCh37 (hg19) VCF-style: chr2-1926952-A-C.
Other names: c.589T>G, p.Tyr197Asp (NM_001329844.2, NM_001329845.1, NM_001329846.3 and 6 more transcripts); short protein forms Y197D.
Identifiers: ClinVar variation 4795339 (VCV004795339.1).